The following is an entry in ClinVar:

NM_000426.4(LAMA2):c.5627A>T (p.Asp1876Val)

Gene: LAMA2 (laminin subunit alpha 2; plus strand). Cytogenetic location: 6q22.33.
Variant type: single nucleotide variant.
Coding change: c.5627A>T on transcript NM_000426.4 (MANE Select); coding-DNA position 5627, A replaced by T.
Protein change: p.Asp1876Val; replaces aspartic acid 1876 with valine.
Molecular consequence: missense variant.
Genome position (GRCh38, 1-based): chr6:129,402,388, A>T. VCF-style: chr6-129402388-A-T. GRCh37 (hg19) VCF-style: chr6-129723533-A-T.
Other names: c.5627A>T, p.Asp1876Val (NM_001079823.2); short protein forms D1876V.
Identifiers: ClinVar variation 851901 (VCV000851901.7), dbSNP rs776601177, ClinGen allele CA3993939.

ClinVar aggregate classification (germline): Uncertain significance. Review status: criteria provided, multiple submitters, no conflicts (2 of 4 stars). 2 submissions from 2 submitters: Uncertain significance (2). Last evaluated 2023-03-30.

Conditions:
LAMA2-related muscular dystrophy (LAMA2-RD). Also called: Laminin alpha 2-related dystrophy. Identifiers: MedGen C5679788, MONDO:0100228.

Allele frequency attached by ClinVar (database versions not stated): gnomAD 0.00001; gnomAD exomes 0.00001; ExAC 0.00001; TOPMed 0.00001.
gnomAD v4.1: 13 of 1,613,564 alleles (0.00081%); highest among the groups gnomAD compares: Non-Finnish European, 0.0011%; no homozygotes.

Submissions (2):

Revvity Omics, Revvity
Classification: Uncertain significance. Last evaluated: 2023-03-30. Review status: criteria provided, single submitter. Criteria: ACMG Guidelines, 2015. Collection method: clinical testing. Allele origin: germline.

Labcorp Genetics (formerly Invitae), Labcorp
Classification: Uncertain significance for LAMA2-related muscular dystrophy. Last evaluated: 2022-09-27. Review status: criteria provided, single submitter. Criteria: Invitae Variant Classification Sherloc (09022015). Collection method: clinical testing. Allele origin: germline.
Comment: This sequence change replaces aspartic acid, which is acidic and polar, with valine, which is neutral and non-polar, at codon 1876 of the LAMA2 protein (p.Asp1876Val). This variant is present in population databases (rs776601177, gnomAD 0.002%). This variant has not been reported in the literature in individuals affected with LAMA2-related conditions. ClinVar contains an entry for this variant (Variation ID: 851901). Advanced modeling of protein sequence and biophysical properties (such as structural, functional, and spatial information, amino acid conservation, physicochemical variation, residue mobility, and thermodynamic stability) performed at Invitae indicates that this missense variant is not expected to disrupt LAMA2 protein function. In summary, the available evidence is currently insufficient to determine the role of this variant in disease. Therefore, it has been classified as a Variant of Uncertain Significance.